The following is an entry in ClinVar:

ClinVar aggregate classification (germline): Conflicting classifications of pathogenicity. Review status: criteria provided, conflicting classifications (1 of 4 stars). 11 submissions from 11 submitters: Uncertain significance (9); Likely benign (1). 1 of the submissions does not count toward it. Last evaluated 2026-01-27.

Conditions:
Cardiovascular phenotype. Identifiers: MedGen CN230736.
Dilated cardiomyopathy 1CC (CMD1CC). Identifiers: Orphanet 154, MedGen C2751084, MONDO:0013147, OMIM 613122.
Hypertrophic cardiomyopathy 20. Identifiers: MedGen C3151267, MONDO:0013477, OMIM 613876.
Arrhythmogenic right ventricular dysplasia 9 (ARVD9). Also called: Arrhythmogenic Right Ventricular Dysplasia/Cardiomyopathy 9; ARRHYTHMOGENIC RIGHT VENTRICULAR DYSPLASIA, FAMILIAL, 9. Identifiers: MedGen C1836906, MONDO:0012180, OMIM 609040.

Submissions (11):

Labcorp Genetics (formerly Invitae), Labcorp
Classification: Uncertain significance for Dilated cardiomyopathy 1CC; Hypertrophic cardiomyopathy 20. Last evaluated: 2026-01-27. Review status: criteria provided, single submitter. Criteria: Invitae Variant Classification Sherloc (09022015). Collection method: clinical testing. Allele origin: germline.
Comment: This variant, c.1407_1409del, results in the deletion of 1 amino acid(s) of the NEXN protein (p.Glu470del), but otherwise preserves the integrity of the reading frame. This variant is present in population databases (rs762929322, gnomAD 0.02%). This variant has been observed in individual(s) with dilated cardiomyopathy (PMID: 24503780, 27532257, 32826072). ClinVar contains an entry for this variant (Variation ID: 47890). Experimental studies and prediction algorithms are not available or were not evaluated, and the functional significance of this variant is currently unknown. In summary, the available evidence is currently insufficient to determine the role of this variant in disease. Therefore, it has been classified as a Variant of Uncertain Significance.

Women's Health and Genetics/Laboratory Corporation of America, LabCorp
Classification: Likely benign. Last evaluated: 2025-09-30. Review status: criteria provided, single submitter. Criteria: LabCorp Variant Classification Summary - May 2015. Collection method: clinical testing. Allele origin: germline.
Comment: Variant summary: NEXN c.1407_1409delAGA (p.Glu470del) results in an in-frame deletion that is predicted to remove one amino acid from the encoded protein. The variant allele was found at a frequency of 0.00012 in 1606714 control chromosomes, including one homozygote, and predominantly at a frequency of 0.00032 within the African or African-American subpopulation in the gnomAD database. The observed variant frequency within African or African-American control individuals in the gnomAD database exceeds the estimated maximal expected allele frequency for disease-causing variants in NEXN. c.1407_1409delAGA has been observed in individuals affected with Dilated Cardiomyopathy, without strong evidence for causality (e.g. Pugh_2014, Walsh_2017, Pena-Pena_2021, Perotto_2025). These reports do not provide unequivocal conclusions about association of the variant with Dilated Cardiomyopathy. To our knowledge, no experimental evidence demonstrating an impact on protein function has been reported. The following publications have been ascertained in the context of this evaluation (PMID: 32826072, 40680702, 24503780, 27532257). ClinVar contains an entry for this variant (Variation ID: 47890). Based on the evidence outlined above, the variant was classified as likely benign.

GeneDx
Classification: Uncertain significance. Last evaluated: 2023-06-01. Review status: criteria provided, single submitter. Criteria: GeneDx Variant Classification Process June 2021. Collection method: clinical testing. Allele origin: germline. Affected: yes.
Comment: Identified in patients with DCM in the published literature (Pugh et al., 2014; Walsh et al., 2017); In-frame deletion of a single glutamic acid residue; In silico analysis supports that this variant does not alter protein structure/function; This variant is associated with the following publications: (PMID: 27532257, 24503780)

Clinical Genetics Laboratory, Skane University Hospital Lund
Classification: Uncertain significance. Last evaluated: 2022-05-27. Review status: criteria provided, single submitter. Criteria: ACMG Guidelines, 2015. Collection method: clinical testing. Allele origin: germline. Affected: yes.

Fulgent Genetics
Classification: Uncertain significance for Dilated cardiomyopathy 1CC; Hypertrophic cardiomyopathy 20. Last evaluated: 2021-11-14. Review status: criteria provided, single submitter. Criteria: ACMG Guidelines, 2015. Collection method: clinical testing. Allele origin: unknown.

Ambry Genetics
Classification: Uncertain significance for Cardiovascular phenotype. Last evaluated: 2020-12-01. Review status: criteria provided, single submitter. Criteria: Ambry Variant Classification Scheme 2023. Collection method: clinical testing. Allele origin: germline.
Comment: The c.1407_1409delAGA (p.E470del) alteration is located in exon 11 (coding exon 10) of the NEXN gene. This alteration consists of an in-frame deletion of 3 nucleotides between nucleotide positions c.1407 and c.1409, resulting in the deletion of 1 residue. Based on insufficient or conflicting evidence, the clinical significance of this alteration remains unclear.

Molecular Diagnostic Laboratory for Inherited Cardiovascular Disease, Montreal Heart Institute
Classification: Uncertain significance. Last evaluated: 2020-05-21. Review status: criteria provided, single submitter. Criteria: ACMG Guidelines, 2015. Collection method: clinical testing. Allele origin: germline. Affected: yes.

Revvity Omics, Revvity
Classification: Uncertain significance. Last evaluated: 2019-07-15. Review status: criteria provided, single submitter. Criteria: ACMG Guidelines, 2015. Collection method: clinical testing. Allele origin: germline.

Center for Medical Genetics Ghent, University of Ghent
Classification: Uncertain significance for Dilated cardiomyopathy 1CC. Last evaluated: 2016-02-09. Review status: criteria provided, single submitter. Criteria: ACMG Guidelines, 2015. Collection method: clinical testing. Allele origin: germline. Affected: yes.
Comment: This variant has not been identified in large population databases (Gnomad, 1000 Genomes, Go NL, Exome Variant Server). The variant results in an inframe deletion of one amino acid and thus reduces the length of the protein.

Laboratory for Molecular Medicine, Mass General Brigham Personalized Medicine
Classification: Uncertain significance. Last evaluated: 2015-02-10. Review status: criteria provided, single submitter. Criteria: LMM Criteria. Collection method: clinical testing. Allele origin: germline. Observed: 3 variant alleles.
Comment: The p.Glu470del variant in NEXN has been identified by our laboratory in 1 infan t with DCM, 1 adult with LVNC (Pugh 2014), and 1 adult with HCM who carried a pa thogenic variant in another gene that was sufficient to explain the disease. Thi s variant has also been identified in 4/16472 of South Asian chromosomes by the Exome Aggregation Consortium (ExAC; dbSNP rs3975 17846). This variant is a deletion of a single amino acid at position 470 and do es not alter the protein reading-frame. It is unclear if this deletion will impa ct protein function. In summary, the clinical significance of the p.Glu470del va riant is uncertain.

Institut für Laboratoriums- und Transfusionsmedizin, Herz- und Diabeteszentrum Nordrhein-Westfalen
Classification: Uncertain significance for Arrhythmogenic right ventricular dysplasia 9. Last evaluated: 2016-05-01. Review status: no assertion criteria provided. Collection method: clinical testing. Allele origin: germline. Affected: yes. Observed: 1 variant allele. Not counted in ClinVar's aggregate classification.

Literature cited by the submitters: PubMed 24503780 (cited by 3 submitters); PubMed 27532257 (cited by Labcorp Genetics (formerly Invitae), Labcorp and Women's Health and Genetics/Laboratory Corporation of America, LabCorp); PubMed 32826072 (cited by Labcorp Genetics (formerly Invitae), Labcorp and Women's Health and Genetics/Laboratory Corporation of America, LabCorp); PubMed 40680702 (cited by Women's Health and Genetics/Laboratory Corporation of America, LabCorp).

NM_144573.4(NEXN):c.1401AGA[2] (p.Glu470del)

Gene: NEXN (nexilin F-actin binding protein; plus strand). Cytogenetic location: 1p31.1.
Variant type: Microsatellite.
Coding change: c.1401AGA[2] on transcript NM_144573.4 (MANE Select); two copies in a row of the 3-base unit AGA starting at c.1401; the reference has three copies in a row; one copy, 3 bases deleted; also written c.1407_1409del.
Protein change: p.Glu470del; deletes glutamic acid 470.
Molecular consequence: inframe deletion.
Genome position (GRCh38, 1-based): chr1:77,935,978-77,935,980, AGA deleted; deleting any 3 consecutive bases within chr1:77,935,972-77,935,980 gives the same sequence; the position shown is the placement nearest the transcript's 3' end. VCF-style (leftmost placement, unchanged base first): chr1-77935971-TAGA-T. GRCh37 (hg19) VCF-style: chr1-78401656-TAGA-T.
Other names: c.1407_1409delAGA (NM_144573.3, NM_144573.4); c.1209AGA[2], p.Glu406del (NM_001172309.2); c.1405_1407delGAA (NM_144573.3); c.1407_1409del (NM_144573.4); short protein forms E470del, E406del.
Identifiers: ClinVar variation 47890 (VCV000047890.27), dbSNP rs397517846, ClinGen allele CA142113.